The following is an entry in ClinVar:

ClinVar aggregate classification (germline): Uncertain significance (1 of 4 stars; one submission).

gnomAD v4.1: 1 of 1,614,218 alleles (0.000062%); highest among the groups gnomAD compares: Non-Finnish European, 0.000085%; no homozygotes.

Submission:

GeneDx
Classification: Uncertain significance. Last evaluated: 2025-04-07. Review status: criteria provided, single submitter. Criteria: GeneDx Variant Classification Process June 2021. Collection method: clinical testing. Allele origin: germline. Affected: yes.
Comment: Not observed at significant frequency in large population cohorts (gnomAD); In silico analysis indicates that this missense variant does not alter protein structure/function; Has not been previously published as pathogenic or benign to our knowledge

NM_022455.5(NSD1):c.2283A>G (p.Ile761Met)

Gene: NSD1 (nuclear receptor binding SET domain protein 1; plus strand). Cytogenetic location: 5q35.3.
Variant type: single nucleotide variant.
Coding change: c.2283A>G on transcript NM_022455.5 (MANE Select); coding-DNA position 2283, A replaced by G.
Protein change: p.Ile761Met; replaces isoleucine 761 with methionine.
Molecular consequence: missense variant.
Genome position (GRCh38, 1-based): chr5:177,210,682, A>G. VCF-style: chr5-177210682-A-G. GRCh37 (hg19) VCF-style: chr5-176637683-A-G.
Other names: c.1410A>G, p.Ile470Met (NM_001365684.2, NM_001409306.1, NM_001409307.1 and 3 more transcripts); c.2283A>G, p.Ile761Met (NM_001409301.1, NM_001409302.1, NM_001409303.1); c.1863A>G, p.Ile621Met (NM_001409304.1); c.1530A>G, p.Ile510Met (NM_001409305.1); short protein forms I470M, I510M, I621M, I761M.
Identifiers: ClinVar variation 4281868 (VCV004281868.1).